The following is an entry in ClinVar:

ClinVar aggregate classification (germline): Uncertain significance. Review status: criteria provided, multiple submitters, no conflicts (2 of 4 stars). 3 submissions from 3 submitters: Uncertain significance (3). Last evaluated 2025-09-15.

Conditions:
Familial thoracic aortic aneurysm and aortic dissection (TAAD). Also called: Thoracic aortic aneurysms and dissections. Identifiers: Orphanet 91387, MedGen C4707243, MONDO:0019625.
Aortic aneurysm, familial thoracic 7 (AAT7). Also called: AORTIC DISSECTION, FAMILIAL, WITH OR WITHOUT AORTIC ANEURYSM. Identifiers: MedGen C3151077, MONDO:0013418, OMIM 613780.

Allele frequency attached by ClinVar (database versions not stated): TOPMed 0.00001; ExAC 0.00002; gnomAD 0.00002; gnomAD exomes 0.00002.
gnomAD v4.1: 33 of 1,613,866 alleles (0.002%); highest among the groups gnomAD compares: African/African-American, 0.004%; no homozygotes.

Submissions (3):

Labcorp Genetics (formerly Invitae), Labcorp
Classification: Uncertain significance for Aortic aneurysm, familial thoracic 7. Last evaluated: 2025-09-15. Review status: criteria provided, single submitter. Criteria: Invitae Variant Classification Sherloc (09022015). Collection method: clinical testing. Allele origin: germline.
Comment: This sequence change replaces serine, which is neutral and polar, with leucine, which is neutral and non-polar, at codon 1570 of the MYLK protein (p.Ser1570Leu). This variant is present in population databases (rs747368032, gnomAD 0.004%). This variant has not been reported in the literature in individuals affected with MYLK-related conditions. ClinVar contains an entry for this variant (Variation ID: 1198038). Invitae Evidence Modeling of protein sequence and biophysical properties (such as structural, functional, and spatial information, amino acid conservation, physicochemical variation, residue mobility, and thermodynamic stability) indicates that this missense variant is not expected to disrupt MYLK protein function with a negative predictive value of 80%. In summary, the available evidence is currently insufficient to determine the role of this variant in disease. Therefore, it has been classified as a Variant of Uncertain Significance.

Ambry Genetics
Classification: Uncertain significance for Familial thoracic aortic aneurysm and aortic dissection. Last evaluated: 2025-05-23. Review status: criteria provided, single submitter. Criteria: Ambry Variant Classification Scheme 2023. Collection method: clinical testing. Allele origin: germline.
Comment: The p.S1570L variant (also known as c.4709C>T), located in coding exon 25 of the MYLK gene, results from a C to T substitution at nucleotide position 4709. The serine at codon 1570 is replaced by leucine, an amino acid with dissimilar properties. This amino acid position is conserved. In addition, this alteration is predicted to be tolerated by in silico analysis. Since supporting evidence is limited at this time, the clinical significance of this alteration remains unclear.

GeneDx
Classification: Uncertain significance. Last evaluated: 2021-11-03. Review status: criteria provided, single submitter. Criteria: GeneDx Variant Classification Process June 2021. Collection method: clinical testing. Allele origin: germline. Affected: yes.
Comment: Has not been previously published as pathogenic or benign to our knowledge; Not observed at significant frequency in large population cohorts (Lek et al., 2016); In silico analysis supports that this missense variant does not alter protein structure/function

NM_053025.4(MYLK):c.4709C>T (p.Ser1570Leu)

Gene: MYLK (myosin light chain kinase; minus strand). Cytogenetic location: 3q21.1.
Variant type: single nucleotide variant.
Coding change: c.4709C>T on transcript NM_053025.4 (MANE Select); coding-DNA position 4709, C replaced by T.
Protein change: p.Ser1570Leu; replaces serine 1570 with leucine.
Molecular consequence: missense variant.
Genome position (GRCh38, 1-based): chr3:123,640,415, G>A on the plus strand (C>T on the coding strand, the complement: MYLK is on the minus strand). VCF-style: chr3-123640415-G-A. GRCh37 (hg19) VCF-style: chr3-123359262-G-A.
Other names: c.4181C>T, p.Ser1394Leu (NM_001321309.2); c.4502C>T, p.Ser1501Leu (NM_053026.4, NM_053028.4); c.4709C>T, p.Ser1570Leu (NM_053027.4); short protein forms S1394L, S1501L, S1570L.
Identifiers: ClinVar variation 1198038 (VCV001198038.8), dbSNP rs747368032, ClinGen allele CA071998.